The following is an entry in ClinVar:

ClinVar aggregate classification (germline): Uncertain significance (1 of 4 stars; one submission).

gnomAD v4.1: 1 of 1,614,128 alleles (0.000062%); no homozygotes.

Submission:

GeneDx
Classification: Uncertain significance. Last evaluated: 2024-05-08. Review status: criteria provided, single submitter. Criteria: GeneDx Variant Classification Process June 2021. Collection method: clinical testing. Allele origin: germline. Affected: yes.
Comment: Not observed at significant frequency in large population cohorts (gnomAD); In silico analysis indicates that this missense variant does not alter protein structure/function; Has not been previously published as pathogenic or benign to our knowledge

NM_006516.4(SLC2A1):c.607G>C (p.Val203Leu)

Gene: SLC2A1 (solute carrier family 2 member 1; minus strand). Cytogenetic location: 1p34.2.
Variant type: single nucleotide variant.
Coding change: c.607G>C on transcript NM_006516.4 (MANE Select); coding-DNA position 607, G replaced by C.
Protein change: p.Val203Leu; replaces valine 203 with leucine.
Molecular consequence: missense variant.
Genome position (GRCh38, 1-based): chr1:42,929,945, C>G on the plus strand (G>C on the coding strand, the complement: SLC2A1 is on the minus strand). VCF-style: chr1-42929945-C-G. GRCh37 (hg19) VCF-style: chr1-43395616-C-G.
Other names: short protein forms V203L.
Identifiers: ClinVar variation 3375495 (VCV003375495.1).
Genomic context (GRCh38, chr1:42,929,945, plus strand): 5'-GGTTCTCCTCGTTGCGGTTGATGAGCAGGAAGCGGGGACTCTCGGGGCAGAAGGGCAGCA[C>G]GATGCACTGCAGCAGGGCCGGGATGAAGATGATGCTCAGCAGCAGGGGCCACAGGTCCTT-3'
Protein context (NP_006507.2, residues 193-213): IFIPALLQCI[Val203Leu]LPFCPESPRF